The following is an entry in ClinVar:

NM_000516.7(GNAS):c.318T>G (p.Ile106Met)

Gene: GNAS (GNAS complex locus; plus strand). Cytogenetic location: 20q13.32.
Variant type: single nucleotide variant.
Coding change: c.318T>G on transcript NM_000516.7 (MANE Select); coding-DNA position 318, T replaced by G.
Protein change: p.Ile106Met; replaces isoleucine 106 with methionine.
Molecular consequence: missense variant. On other transcripts: 3 prime UTR variant (2).
Genome position (GRCh38, 1-based): chr20:58,903,677, T>G. VCF-style: chr20-58903677-T-G. GRCh37 (hg19) VCF-style: chr20-57478732-T-G.
Other names: c.321T>G, p.Ile107Met (NM_001077488.5); c.273T>G, p.Ile91Met (NM_001077489.4); c.*179T>G (NM_001077490.3); c.141T>G, p.Ile47Met (NM_001309840.2, NM_001309861.2); c.222T>G, p.Ile74Met (NM_001410912.1); c.2202T>G, p.Ile734Met (NM_001410913.1); c.*224T>G (NM_016592.5); c.2247T>G, p.Ile749Met (NM_080425.4); and 1 more; short protein forms I47M, I749M, I74M, I91M, I106M, I734M, I107M, I92M.
Identifiers: ClinVar variation 2089112 (VCV002089112.4), dbSNP rs2517082047, ClinGen allele CA409450361.

ClinVar aggregate classification (germline): Uncertain significance (1 of 4 stars; one submission).

Submission:

Labcorp Genetics (formerly Invitae), Labcorp
Classification: Uncertain significance. Last evaluated: 2022-01-22. Review status: criteria provided, single submitter. Criteria: Invitae Variant Classification Sherloc (09022015). Collection method: clinical testing. Allele origin: germline.
Comment: This missense change has been observed in individual(s) with Albright’s hereditary osteodystrophy (Invitae). In summary, the available evidence is currently insufficient to determine the role of this variant in disease. Therefore, it has been classified as a Variant of Uncertain Significance. This variant disrupts the p.Ile106 amino acid residue in GNAS. Other variant(s) that disrupt this residue have been observed in individuals with GNAS-related conditions (PMID: 15817905, 21340160; Invitae), which suggests that this may be a clinically significant amino acid residue. Algorithms developed to predict the effect of missense changes on protein structure and function are either unavailable or do not agree on the potential impact of this missense change (SIFT: "Deleterious"; PolyPhen-2: "Probably Damaging"; Align-GVGD: "Class C0"). This variant is not present in population databases (gnomAD no frequency). This sequence change replaces isoleucine, which is neutral and non-polar, with methionine, which is neutral and non-polar, at codon 106 of the GNAS protein (p.Ile106Met).

Literature cited by the submitters: PubMed 15817905; PubMed 21340160.